The following is an entry in ClinVar:

NM_004370.6(COL12A1):c.5717A>G (p.Asp1906Gly)

Gene: COL12A1 (collagen type XII alpha 1 chain; minus strand). Cytogenetic location: 6q13.
Variant type: single nucleotide variant.
Coding change: c.5717A>G on transcript NM_004370.6 (MANE Select); coding-DNA position 5717, A replaced by G.
Protein change: p.Asp1906Gly; replaces aspartic acid 1906 with glycine.
Molecular consequence: missense variant.
Genome position (GRCh38, 1-based): chr6:75,133,370, T>C on the plus strand (A>G on the coding strand, the complement: COL12A1 is on the minus strand). VCF-style: chr6-75133370-T-C. GRCh37 (hg19) VCF-style: chr6-75843086-T-C.
Other names: c.5717A>G, p.Asp1906Gly (NM_001424113.1); c.5696A>G, p.Asp1899Gly (NM_001424114.1); c.5444A>G, p.Asp1815Gly (NM_001424115.1); c.2225A>G, p.Asp742Gly (NM_001424116.1, NM_080645.3); short protein forms D1815G, D1899G, D1906G, D742G.
Identifiers: ClinVar variation 3748659 (VCV003748659.2).

ClinVar aggregate classification (germline): Uncertain significance (1 of 4 stars; one submission).

Conditions:
Ullrich congenital muscular dystrophy 2 (UCMD2). Identifiers: Orphanet 75840, MedGen C4225314, MONDO:0014654, OMIM 616470.
Bethlem myopathy 2 (BTHLM2). Identifiers: Orphanet 536516, Orphanet 610, MedGen C4225313, MONDO:0034022, OMIM 616471.

gnomAD v4.1: 1 of 1,613,188 alleles (0.000062%); highest among the groups gnomAD compares: Non-Finnish European, 0.000085%; no homozygotes.

Submission:

Labcorp Genetics (formerly Invitae), Labcorp
Classification: Uncertain significance for Bethlem myopathy 2; Ullrich congenital muscular dystrophy 2. Last evaluated: 2024-07-23. Review status: criteria provided, single submitter. Criteria: Invitae Variant Classification Sherloc (09022015). Collection method: clinical testing. Allele origin: germline.
Comment: This sequence change replaces aspartic acid, which is acidic and polar, with glycine, which is neutral and non-polar, at codon 1906 of the COL12A1 protein (p.Asp1906Gly). This variant is not present in population databases (gnomAD no frequency). This variant has not been reported in the literature in individuals affected with COL12A1-related conditions. Advanced modeling of protein sequence and biophysical properties (such as structural, functional, and spatial information, amino acid conservation, physicochemical variation, residue mobility, and thermodynamic stability) performed at Invitae indicates that this missense variant is not expected to disrupt COL12A1 protein function with a negative predictive value of 80%. In summary, the available evidence is currently insufficient to determine the role of this variant in disease. Therefore, it has been classified as a Variant of Uncertain Significance.